The following is an entry in ClinVar:

NM_000046.5(ARSB):c.312G>C (p.Gln104His)

Genes: ARSB (arylsulfatase B; minus strand), LOC129994126 (ATAC-STARR-seq lymphoblastoid silent region 16127; plus strand). Cytogenetic location: 5q14.1.
Variant type: single nucleotide variant.
Coding change: c.312G>C on transcript NM_000046.5 (MANE Select); coding-DNA position 312, G replaced by C.
Protein change: p.Gln104His; replaces glutamine 104 with histidine.
Molecular consequence: missense variant.
Genome position (GRCh38, 1-based): chr5:78,984,937, C>G on the plus strand (G>C on the coding strand, the complement: ARSB is on the minus strand). VCF-style: chr5-78984937-C-G. GRCh37 (hg19) VCF-style: chr5-78280760-C-G.
Other names: c.312G>C, p.Gln104His (NM_198709.3); short protein forms Q104H.
Identifiers: ClinVar variation 559768 (VCV000559768.3), dbSNP rs1478202079, ClinGen allele CA360196276.

ClinVar aggregate classification (germline): Conflicting classifications of pathogenicity. Review status: criteria provided, conflicting classifications (1 of 4 stars). 3 submissions from 3 submitters: Likely pathogenic (2); Uncertain significance (1). Last evaluated 2025-02-27.

Conditions:
Mucopolysaccharidosis type 6 (MPS6). Also called: N-ACETYLGALACTOSAMINE-4-SULFATASE DEFICIENCY; MPS VI; MPS 6; Maroteaux Lamy syndrome; ARSB DEFICIENCY; ARYLSULFATASE B DEFICIENCY. Identifiers: Orphanet 583, MedGen C0026709, MONDO:0009661, OMIM 253200.

Allele frequency attached by ClinVar (database versions not stated): TOPMed below 0.00001; gnomAD 0.00001.
gnomAD v4.1: 1 of 1,394,138 alleles (0.000072%); highest among the groups gnomAD compares: African/African-American, 0.0015%; no homozygotes.

Submissions (3):

Natera, Inc.
Classification: Likely pathogenic for Mucopolysaccharidosis type VI. Last evaluated: 2025-02-27. Review status: criteria provided, single submitter. Criteria: Natera Variant Classification Schema (03/2026). Collection method: clinical testing. Allele origin: germline.
Comment: The c.312G>C variant in ARSB is a missense variant predicted to cause substitution of glutamine to histidine at amino acid 104. This variant is rare in the general population with a frequency below the threshold expected for the associated phenotype(s). This variant has been observed in one or more individuals affected with the associated recessive disease, as either homozygous or compound heterozygous with a second variant (PMID: 22441840, 22976768, 17458871). Computational prediction algorithms indicate this variant is likely to affect gene or protein function. Given the available evidence, this variant is classified as Likely Pathogenic.

Baylor Genetics
Classification: Likely pathogenic for Mucopolysaccharidosis type 6. Last evaluated: 2023-12-26. Review status: criteria provided, single submitter. Criteria: ACMG Guidelines, 2015. Collection method: clinical testing. Allele origin: unknown.

Laboratory of Diagnosis and Therapy of Lysosomal Disorders, University of Padova
Classification: Uncertain significance for Mucopolysaccharidosis type 6. Last evaluated: 2018-01-01. Review status: criteria provided, single submitter. Criteria: ACMG Guidelines, 2015. Collection method: curation. Allele origin: germline. Affected: yes.
Comment: Absent from GnomAD (PM2); Reputable source identifies as pathogenic (PP5)

Literature cited by the submitters: PubMed 22441840 (cited by Natera, Inc. and Laboratory of Diagnosis and Therapy of Lysosomal Disorders, University of Padova); PubMed 22976768 (cited by Natera, Inc. and Laboratory of Diagnosis and Therapy of Lysosomal Disorders, University of Padova); PubMed 17458871 (cited by Natera, Inc. and Laboratory of Diagnosis and Therapy of Lysosomal Disorders, University of Padova); PubMed 30118150 (cited by Laboratory of Diagnosis and Therapy of Lysosomal Disorders, University of Padova).